The following is an entry in ClinVar:

ClinVar aggregate classification (germline): Uncertain significance (1 of 4 stars; one submission).

Allele frequency attached by ClinVar (database versions not stated): gnomAD exomes below 0.00001.
gnomAD v4.1: 2 of 1,532,308 alleles (0.00013%); highest among the groups gnomAD compares: Non-Finnish European, 0.00018%; no homozygotes.

Submission:

Labcorp Genetics (formerly Invitae), Labcorp
Classification: Uncertain significance. Last evaluated: 2025-03-17. Review status: criteria provided, single submitter. Criteria: Invitae Variant Classification Sherloc (09022015). Collection method: clinical testing. Allele origin: germline.
Comment: This sequence change replaces alanine, which is neutral and non-polar, with valine, which is neutral and non-polar, at codon 59 of the FLVCR1 protein (p.Ala59Val). This variant is not present in population databases (gnomAD no frequency). This variant has not been reported in the literature in individuals affected with FLVCR1-related conditions. ClinVar contains an entry for this variant (Variation ID: 1358691). An algorithm developed to predict the effect of missense changes on protein structure and function (PolyPhen-2) suggests that this variant is likely to be tolerated. In summary, the available evidence is currently insufficient to determine the role of this variant in disease. Therefore, it has been classified as a Variant of Uncertain Significance.

NM_014053.4(FLVCR1):c.176C>T (p.Ala59Val)

Genes: FLVCR1 (FLVCR choline and heme transporter 1; plus strand), LOC129932486 (ATAC-STARR-seq lymphoblastoid silent region 1807; plus strand). Cytogenetic location: 1q32.3.
Variant type: single nucleotide variant.
Coding change: c.176C>T on transcript NM_014053.4 (MANE Select); coding-DNA position 176, C replaced by T.
Protein change: p.Ala59Val; replaces alanine 59 with valine.
Molecular consequence: missense variant.
Genome position (GRCh38, 1-based): chr1:212,858,628, C>T. VCF-style: chr1-212858628-C-T. GRCh37 (hg19) VCF-style: chr1-213031970-C-T.
Other names: short protein forms A59V.
Identifiers: ClinVar variation 1358691 (VCV001358691.8), dbSNP rs2102526011, ClinGen allele CA344795425.
Genomic context (GRCh38, chr1:212,858,628, plus strand): 5'-AGAACGGGCCCAAAGCGGGCACCTTCCCGGTGAATGGGGCCCCCCGGGACAGCCTCGCTG[C>T]CGCCTCGGGAGTTCTGGGCGGGCCTCAGACTCCACTGGCCCCAGAAGAGGAGACCCAGGC-3'
Protein context (NP_054772.1, residues 49-69): VNGAPRDSLA[Ala59Val]ASGVLGGPQT